The following is an entry in ClinVar:

ClinVar aggregate classification (germline): Uncertain significance. Review status: criteria provided, multiple submitters, no conflicts (2 of 4 stars). 2 submissions from 2 submitters: Uncertain significance (2). Last evaluated 2022-12-14.

Conditions:
Cardiovascular phenotype. Identifiers: MedGen CN230736.

Allele frequency attached by ClinVar (database versions not stated): gnomAD exomes below 0.00001.
gnomAD v4.1: 2 of 1,613,666 alleles (0.00012%); highest among the groups gnomAD compares: Non-Finnish European, 0.00017%; no homozygotes.

Submissions (2):

Blueprint Genetics
Classification: Uncertain significance. Last evaluated: 2022-12-14. Review status: criteria provided, single submitter. Criteria: ACMG Guidelines, 2015. Collection method: clinical testing. Allele origin: germline.

Ambry Genetics
Classification: Uncertain significance for Cardiovascular phenotype. Last evaluated: 2016-10-05. Review status: criteria provided, single submitter. Criteria: Ambry Variant Classification Scheme 2023. Collection method: clinical testing. Allele origin: germline.
Comment: The p.V23259I variant (also known as c.69775G>A), located in coding exon 175 of the TTN gene, results from a G to A substitution at nucleotide position 69775. The valine at codon 23259 is replaced by isoleucine, an amino acid with highly similar properties, and is located in the A-band region of the N2-B isoform of the titin protein. This variant was not reported in population based cohorts in the following databases: Database of Single Nucleotide Polymorphisms (dbSNP), NHLBI Exome Sequencing Project (ESP), and 1000 Genomes Project. In the ESP, this variant was not observed in 6138 samples (12276 alleles) with coverage at this position. This amino acid position is poorly conserved in available vertebrate species. In addition, this alteration is predicted to be tolerated by in silico analysis. Since supporting evidence is limited at this time, the clinical significance of this alteration remains unclear.

NM_001267550.2(TTN):c.96970G>A (p.Val32324Ile)

Genes: TTN (titin; minus strand), TTN-AS1 (TTN antisense RNA 1; plus strand). Cytogenetic location: 2q31.2.
Variant type: single nucleotide variant.
Coding change: c.96970G>A on transcript NM_001267550.2 (MANE Select); coding-DNA position 96970, G replaced by A.
Protein change: p.Val32324Ile; replaces valine 32324 with isoleucine.
Molecular consequence: missense variant.
Genome position (GRCh38, 1-based): chr2:178,542,884, C>T on the plus strand (G>A on the coding strand, the complement: TTN is on the minus strand). VCF-style: chr2-178542884-C-T. GRCh37 (hg19) VCF-style: chr2-179407611-C-T.
Other names: c.92047G>A, p.Val30683Ile (NM_001256850.1); c.69775G>A, p.Val23259Ile (NM_003319.4); c.89266G>A, p.Val29756Ile (NM_133378.4); c.70150G>A, p.Val23384Ile (NM_133432.3); c.70351G>A, p.Val23451Ile (NM_133437.4); short protein forms V23259I, V32324I, V23384I, V23451I, V29756I, V30683I.
Identifiers: ClinVar variation 519133 (VCV000519133.6), dbSNP rs1454125243, ClinGen allele CA349444067.